The following is an entry in ClinVar:

NM_000350.3(ABCA4):c.2402C>T (p.Ala801Val)

Gene: ABCA4 (ATP binding cassette subfamily A member 4; minus strand). Cytogenetic location: 1p22.1.
Variant type: single nucleotide variant.
Coding change: c.2402C>T on transcript NM_000350.3 (MANE Select); coding-DNA position 2402, C replaced by T.
Protein change: p.Ala801Val; replaces alanine 801 with valine.
Molecular consequence: missense variant.
Genome position (GRCh38, 1-based): chr1:94,055,296, G>A on the plus strand (C>T on the coding strand, the complement: ABCA4 is on the minus strand). VCF-style: chr1-94055296-G-A. GRCh37 (hg19) VCF-style: chr1-94520852-G-A.
Other names: c.2180C>T, p.Ala727Val (NM_001425324.1); short protein forms A801V, A727V.
Identifiers: ClinVar variation 2034333 (VCV002034333.4), dbSNP rs2523817445, ClinGen allele CA341277165.

ClinVar aggregate classification (germline): Likely pathogenic (1 of 4 stars; one submission).

Submission:

Labcorp Genetics (formerly Invitae), Labcorp
Classification: Likely pathogenic. Last evaluated: 2022-10-06. Review status: criteria provided, single submitter. Criteria: Invitae Variant Classification Sherloc (09022015). Collection method: clinical testing. Allele origin: germline.
Comment: This sequence change replaces alanine, which is neutral and non-polar, with valine, which is neutral and non-polar, at codon 801 of the ABCA4 protein (p.Ala801Val). In summary, the currently available evidence indicates that the variant is pathogenic, but additional data are needed to prove that conclusively. Therefore, this variant has been classified as Likely Pathogenic. This variant disrupts the p.Ala801 amino acid residue in ABCA4. Other variant(s) that disrupt this residue have been determined to be pathogenic (PMID: 28559085, 29925512, 32619608). This suggests that this residue is clinically significant, and that variants that disrupt this residue are likely to be disease-causing. Advanced modeling of protein sequence and biophysical properties (such as structural, functional, and spatial information, amino acid conservation, physicochemical variation, residue mobility, and thermodynamic stability) performed at Invitae indicates that this missense variant is expected to disrupt ABCA4 protein function. This variant has not been reported in the literature in individuals affected with ABCA4-related conditions. This variant is not present in population databases (gnomAD no frequency).

Literature cited by the submitters: PubMed 28559085; PubMed 29925512; PubMed 32619608.